The following is an entry in ClinVar:

NM_006785.4(MALT1):c.2326A>G (p.Ser776Gly)

Gene: MALT1 (MALT1 paracaspase; plus strand). Cytogenetic location: 18q21.32.
Variant type: single nucleotide variant.
Coding change: c.2326A>G on transcript NM_006785.4 (MANE Select); coding-DNA position 2326, A replaced by G.
Protein change: p.Ser776Gly; replaces serine 776 with glycine.
Molecular consequence: missense variant.
Genome position (GRCh38, 1-based): chr18:58,747,693, A>G. VCF-style: chr18-58747693-A-G. GRCh37 (hg19) VCF-style: chr18-56414925-A-G.
Other names: c.2293A>G, p.Ser765Gly (NM_173844.3); short protein forms S765G, S776G.
Identifiers: ClinVar variation 1988531 (VCV001988531.1), dbSNP rs574477576, ClinGen allele CA8978089.

ClinVar aggregate classification (germline): Uncertain significance (1 of 4 stars; one submission).

Conditions:
Combined immunodeficiency due to MALT1 deficiency. Also called: Immunodeficiency 12. Identifiers: Orphanet 397964, MedGen C3809583, MONDO:0014197, OMIM 615468.

Allele frequency attached by ClinVar (database versions not stated): TOPMed 0.00002; gnomAD 0.00004; ExAC 0.00019; 1000 Genomes Project 0.00020; 1000 Genomes Project 30x 0.00031.
gnomAD v4.1: 103 of 1,614,218 alleles (0.0064%); highest among the groups gnomAD compares: South Asian, 0.11%; no homozygotes.

Submission:

Labcorp Genetics (formerly Invitae), Labcorp
Classification: Uncertain significance for Combined immunodeficiency due to MALT1 deficiency. Last evaluated: 2022-07-14. Review status: criteria provided, single submitter. Criteria: Invitae Variant Classification Sherloc (09022015). Collection method: clinical testing. Allele origin: germline.
Comment: This sequence change replaces serine, which is neutral and polar, with glycine, which is neutral and non-polar, at codon 776 of the MALT1 protein (p.Ser776Gly). This variant is present in population databases (rs574477576, gnomAD 0.1%). This variant has not been reported in the literature in individuals affected with MALT1-related conditions. Algorithms developed to predict the effect of missense changes on protein structure and function output the following: SIFT: "Tolerated"; PolyPhen-2: "Benign"; Align-GVGD: "Class C0". The glycine amino acid residue is found in multiple mammalian species, which suggests that this missense change does not adversely affect protein function. In summary, the available evidence is currently insufficient to determine the role of this variant in disease. Therefore, it has been classified as a Variant of Uncertain Significance.